The following is an entry in ClinVar:

ClinVar aggregate classification (germline): Conflicting classifications of pathogenicity. Review status: criteria provided, conflicting classifications (1 of 4 stars). 5 submissions from 5 submitters: Uncertain significance (1); Benign (1); Likely benign (2). 1 of the submissions does not count toward it. Last evaluated 2026-07-01.

Conditions:
CEP135-related disorder. Also called: CEP135-related condition.

Submissions (5):

CeGaT Center for Human Genetics Tuebingen
Classification: Likely benign. Last evaluated: 2026-07-01. Review status: criteria provided, single submitter. Criteria: CeGaT Center For Human Genetics Tuebingen Variant Classification Criteria Version 2. Collection method: clinical testing. Allele origin: germline. Affected: yes. Observed: 8 variant alleles.
Comment: CEP135: PM4:Supporting, BS2

Labcorp Genetics (formerly Invitae), Labcorp
Classification: Likely benign. Last evaluated: 2026-01-21. Review status: criteria provided, single submitter. Criteria: Invitae Variant Classification Sherloc (09022015). Collection method: clinical testing. Allele origin: germline.

GeneDx
Classification: Benign. Last evaluated: 2019-11-13. Review status: criteria provided, single submitter. Criteria: GeneDx Variant Classification Process June 2021. Collection method: clinical testing. Allele origin: germline. Affected: yes.

Genetic Services Laboratory, University of Chicago
Classification: Uncertain significance. Last evaluated: 2014-09-04. Review status: criteria provided, single submitter. Criteria: ACMG Guidelines, 2015. Collection method: clinical testing. Allele origin: germline.

PreventionGenetics, part of Exact Sciences
Classification: Benign for CEP135-related condition. Last evaluated: 2019-05-20. Review status: no assertion criteria provided. Collection method: clinical testing. Allele origin: germline. Not counted in ClinVar's aggregate classification.
Comment: This variant is classified as benign based on ACMG/AMP sequence variant interpretation guidelines (Richards et al. 2015 PMID: 25741868, with internal and published modifications).

NM_025009.5(CEP135):c.998AAG[2] (p.Glu335del)

Gene: CEP135 (centrosomal protein 135; plus strand). Cytogenetic location: 4q12.
Variant type: Microsatellite.
Coding change: c.998AAG[2] on transcript NM_025009.5 (MANE Select); two copies in a row of the 3-base unit AAG starting at c.998; the reference has three copies in a row; one copy, 3 bases deleted.
Protein change: p.Glu335del; deletes glutamic acid 335.
Molecular consequence: inframe deletion.
Genome position (GRCh38, 1-based): chr4:55,965,819-55,965,821, AAG deleted; deleting any 3 consecutive bases within chr4:55,965,813-55,965,821 gives the same sequence; the position shown is the placement nearest the transcript's 3' end. VCF-style (leftmost placement, unchanged base first): chr4-55965812-AAAG-A. GRCh37 (hg19) VCF-style: chr4-56831978-AAAG-A.
Other names: c.1004_1006delAAG (NM_025009.4); short protein forms E335del.
Identifiers: ClinVar variation 210672 (VCV000210672.25), dbSNP rs374626758, ClinGen allele CA209876.